The following is an entry in ClinVar:

NM_020964.3(EPG5):c.586G>A (p.Gly196Ser)

Gene: EPG5 (ectopic P-granules 5 autophagy tethering factor; minus strand). Cytogenetic location: 18q21.1.
Variant type: single nucleotide variant.
Coding change: c.586G>A on transcript NM_020964.3 (MANE Select); coding-DNA position 586, G replaced by A.
Protein change: p.Gly196Ser; replaces glycine 196 with serine.
Molecular consequence: missense variant.
Genome position (GRCh38, 1-based): chr18:45,954,816, C>T on the plus strand (G>A on the coding strand, the complement: EPG5 is on the minus strand). VCF-style: chr18-45954816-C-T. GRCh37 (hg19) VCF-style: chr18-43534782-C-T.
Other names: c.586G>A (NM_020964.2); short protein forms G196S.
Identifiers: ClinVar variation 1166439 (VCV001166439.12), dbSNP rs565743896, ClinGen allele CA8949928.

ClinVar aggregate classification (germline): Benign. Review status: criteria provided, single submitter (1 of 4 stars). 2 submissions from 2 submitters: Benign (1). 1 of the submissions does not count toward it. Last evaluated 2026-01-01.

Conditions:
EPG5-related disorder. Also called: EPG5-related condition. Identifiers: MedGen CN381528.
Vici syndrome (VICIS). Identifiers: Orphanet 1493, MedGen C1855772, MONDO:0009452, OMIM 242840.

Allele frequency attached by ClinVar (database versions not stated): TOPMed 0.00002; gnomAD 0.00009; 1000 Genomes Project 30x 0.00016; gnomAD exomes 0.00016 and 0.00035; 1000 Genomes Project 0.00020; ExAC 0.00047.
gnomAD v4.1: 245 of 1,614,184 alleles (0.015%); highest among the groups gnomAD compares: South Asian, 0.26%; 3 homozygotes.

Submissions (2):

Labcorp Genetics (formerly Invitae), Labcorp
Classification: Benign for Vici syndrome. Last evaluated: 2026-01-01. Review status: criteria provided, single submitter. Criteria: Invitae Variant Classification Sherloc (09022015). Collection method: clinical testing. Allele origin: germline.

PreventionGenetics, part of Exact Sciences
Classification: Likely benign for EPG5-related condition. Last evaluated: 2023-09-18. Review status: no assertion criteria provided. Collection method: clinical testing. Allele origin: germline. Not counted in ClinVar's aggregate classification.
Comment: This variant is classified as likely benign based on ACMG/AMP sequence variant interpretation guidelines (Richards et al. 2015 PMID: 25741868, with internal and published modifications).